The following is an entry in ClinVar:

NM_025114.4(CEP290):c.3985G>T (p.Glu1329Ter)

Gene: CEP290 (centrosomal protein 290; minus strand). Cytogenetic location: 12q21.32.
Variant type: single nucleotide variant.
Coding change: c.3985G>T on transcript NM_025114.4 (MANE Select); coding-DNA position 3985, G replaced by T.
Protein change: p.Glu1329Ter; replaces glutamic acid 1329 with a stop codon.
Molecular consequence: nonsense.
Genome position (GRCh38, 1-based): chr12:88,089,076, C>A on the plus strand (G>T on the coding strand, the complement: CEP290 is on the minus strand). VCF-style: chr12-88089076-C-A. GRCh37 (hg19) VCF-style: chr12-88482853-C-A.
Other names: short protein forms E1329*.
Identifiers: ClinVar variation 4787147 (VCV004787147.1).
Genomic context (GRCh38, chr12:88,089,076, plus strand): 5'-AAGTTTAAATGTTTACCTTTTGGGCTCCTTTGGTATCCTTTAAAGTGCTTATTAACTCTT[C>A]CAGGCCCTTTAATTTTAATTCCATCTCCAATGTTTTGTTCTCCATATTTCTATGTTCTTG-3'

ClinVar aggregate classification (germline): Pathogenic (1 of 4 stars; one submission).

Conditions:
Meckel-Gruber syndrome. Also called: GRUBER SYNDROME; DYSENCEPHALIA SPLANCHNOCYSTICA; Dysencephalia splachnocystica. Identifiers: Orphanet 564, MedGen C0265215, MONDO:0018921.
Joubert syndrome. Also called: Familial aplasia of the vermis; JOUBERT-BOLTSHAUSER SYNDROME; CEREBELLOPARENCHYMAL DISORDER IV. Identifiers: Orphanet 475, MedGen C5979921, MONDO:0018772.
Nephronophthisis. Also called: Juvenile Nephronophthisis. Identifiers: Orphanet 655, MedGen C0687120, MONDO:0019005, HP:0000090.

Submission:

Labcorp Genetics (formerly Invitae), Labcorp
Classification: Pathogenic for Joubert syndrome; Meckel-Gruber syndrome; Nephronophthisis. Last evaluated: 2025-12-28. Review status: criteria provided, single submitter. Criteria: Invitae Variant Classification Sherloc (09022015). Collection method: clinical testing. Allele origin: germline.
Comment: This sequence change creates a premature translational stop signal (p.Glu1329*) in the CEP290 gene. It is expected to result in an absent or disrupted protein product. Loss-of-function variants in CEP290 are known to be pathogenic (PMID: 16909394, 17345604, 20690115). This variant is not present in population databases (gnomAD no frequency). This variant has not been reported in the literature in individuals affected with CEP290-related conditions. For these reasons, this variant has been classified as Pathogenic.

Literature cited by the submitters: PubMed 16909394; PubMed 17345604; PubMed 20690115.